The following is an entry in ClinVar:

ClinVar aggregate classification (germline): Uncertain significance. Review status: criteria provided, multiple submitters, no conflicts (2 of 4 stars). 3 submissions from 3 submitters: Uncertain significance (2). 1 of the submissions does not count toward it. Last evaluated 2025-09-27.

Conditions:
Inborn genetic diseases. Identifiers: MedGen C0950123, MeSH D030342.
Usher syndrome type 1 (USH1). Also called: RETINITIS PIGMENTOSA AND CONGENITAL DEAFNESS. Identifiers: Orphanet 231169, Orphanet 886, MedGen C1568247, MONDO:0010168, OMIM 276900.

Allele frequency attached by ClinVar (database versions not stated): ExAC 0.00001; gnomAD 0.00001; gnomAD exomes 0.00001; TOPMed 0.00002.
gnomAD v4.1: 46 of 1,613,778 alleles (0.0029%); highest among the groups gnomAD compares: Non-Finnish European, 0.0035%; no homozygotes.

Submissions (3):

Ambry Genetics
Classification: Uncertain significance for Inborn genetic diseases. Last evaluated: 2025-09-27. Review status: criteria provided, single submitter. Criteria: Ambry Variant Classification Scheme 2023. Collection method: clinical testing. Allele origin: germline.

Labcorp Genetics (formerly Invitae), Labcorp
Classification: Uncertain significance. Last evaluated: 2022-02-03. Review status: criteria provided, single submitter. Criteria: Invitae Variant Classification Sherloc (09022015). Collection method: clinical testing. Allele origin: germline.
Comment: This sequence change replaces serine, which is neutral and polar, with proline, which is neutral and non-polar, at codon 175 of the CDH23 protein (p.Ser175Pro). This variant is present in population databases (rs756340333, gnomAD 0.002%). This variant has not been reported in the literature in individuals affected with CDH23-related conditions. ClinVar contains an entry for this variant (Variation ID: 1036065). Algorithms developed to predict the effect of missense changes on protein structure and function are either unavailable or do not agree on the potential impact of this missense change (SIFT: "Deleterious"; PolyPhen-2: "Not Available"; Align-GVGD: "Class C0"). In summary, the available evidence is currently insufficient to determine the role of this variant in disease. Therefore, it has been classified as a Variant of Uncertain Significance.

Natera, Inc.
Classification: Uncertain significance for Usher syndrome type 1. Last evaluated: 2020-09-11. Review status: no assertion criteria provided. Collection method: clinical testing. Allele origin: germline. Not counted in ClinVar's aggregate classification.

NM_022124.6(CDH23):c.523T>C (p.Ser175Pro)

Gene: CDH23 (cadherin related 23; plus strand). Cytogenetic location: 10q22.1.
Variant type: single nucleotide variant.
Coding change: c.523T>C on transcript NM_022124.6 (MANE Select); coding-DNA position 523, T replaced by C.
Protein change: p.Ser175Pro; replaces serine 175 with proline.
Molecular consequence: missense variant.
Genome position (GRCh38, 1-based): chr10:71,566,835, T>C. VCF-style: chr10-71566835-T-C. GRCh37 (hg19) VCF-style: chr10-73326592-T-C.
Other names: c.523T>C, p.Ser175Pro (NM_001171930.2, NM_001171931.2, NM_001171932.2 and 1 more transcripts); c.523T>C (NM_022124.5); short protein forms S175P.
Identifiers: ClinVar variation 1036065 (VCV001036065.6), dbSNP rs756340333, ClinGen allele CA5543462.